The following is an entry in ClinVar:

ClinVar aggregate classification (germline): Pathogenic (1 of 4 stars; one submission).

Conditions:
Deafness-lymphedema-leukemia syndrome. Also called: Emberger syndrome; Lymphedema, primary, with myelodysplasia. Identifiers: Orphanet 3226, MedGen C3279664, MONDO:0013540, OMIM 614038.
GATA2 deficiency with susceptibility to MDS/AML. Identifiers: MedGen CN300066, MONDO:0042982.

Submission:

Molecular Pathology Research Laboratory, SA Pathology
Classification: Pathogenic for GATA2 deficiency with susceptibility to MDS/AML; Deafness-lymphedema-leukemia syndrome. Last evaluated: 2021-07-06. Review status: criteria provided, single submitter. Criteria: ACMG Guidelines, 2015. Collection method: curation. Allele origin: unknown. Inheritance: Autosomal dominant inheritance. Affected: yes. Observed: 1 variant allele.
Comment: PVS1, PS4_Supporting, PM2

Literature cited by the submitters: PubMed 22147895; PubMed 24227816.

NM_032638.5(GATA2):c.989_992dup (p.Leu332fs)

Gene: GATA2 (GATA binding protein 2; minus strand). Cytogenetic location: 3q21.3.
Variant type: Duplication.
Coding change: c.989_992dup on transcript NM_032638.5 (MANE Select); coding-DNA positions 989 to 992, 4 bases duplicated (GACC; older notation c.989_992dupGACC).
Protein change: p.Leu332fs; shifts the reading frame from leucine 332.
Molecular consequence: frameshift variant.
Genome position (GRCh38, 1-based): chr3:128,483,885-128,483,888, GGTC duplicated on the plus strand (GACC on the coding strand, the reverse complement: GATA2 is on the minus strand); duplicating any 4 consecutive bases within chr3:128,483,885-128,483,891 gives the same sequence; the c. name uses the placement nearest the transcript's 3' end. VCF-style (leftmost placement, unchanged base first): chr3-128483884-T-TGGTC. GRCh37 (hg19) VCF-style: chr3-128202727-T-TGGTC.
Other names: c.989_992dup, p.Leu332fs (NM_001145661.2, NM_001145662.1); short protein forms L332fs.
Identifiers: ClinVar variation 1184151 (VCV001184151.1), dbSNP rs2107670331, ClinGen allele CA658820610.